The following is an entry in ClinVar:

ClinVar aggregate classification (germline): Likely benign (1 of 4 stars; one submission).

Allele frequency attached by ClinVar (database versions not stated): 1000 Genomes Project 0.00140; 1000 Genomes Project 30x 0.00187; TOPMed 0.00386.
gnomAD v4.1: 7,187 of 1,160,736 alleles (0.62%); highest among the groups gnomAD compares: Non-Finnish European, 0.66%; 23 homozygotes.

Submission:

CeGaT Center for Human Genetics Tuebingen
Classification: Likely benign. Last evaluated: 2024-01-01. Review status: criteria provided, single submitter. Criteria: CeGaT Center For Human Genetics Tuebingen Variant Classification Criteria Version 2. Collection method: clinical testing. Allele origin: germline. Affected: yes. Observed: 1 variant allele.
Comment: SIK3: BP4

NM_001366686.3(SIK3):c.56G>A (p.Gly19Glu)

Gene: SIK3 (SIK family kinase 3; minus strand). Cytogenetic location: 11q23.3.
Variant type: single nucleotide variant.
Coding change: c.56G>A on transcript NM_001366686.3 (MANE Select); coding-DNA position 56, G replaced by A.
Protein change: p.Gly19Glu; replaces glycine 19 with glutamic acid.
Molecular consequence: missense variant. On other transcripts: 5 prime UTR variant (1).
Genome position (GRCh38, 1-based): chr11:117,098,360, C>T on the plus strand (G>A on the coding strand, the complement: SIK3 is on the minus strand). VCF-style: chr11-117098360-C-T. GRCh37 (hg19) VCF-style: chr11-116969076-C-T.
Other names: c.-546G>A (NM_001281748.3); c.56G>A, p.Gly19Glu (NM_001281749.3, NM_001366687.1, NM_025164.6); short protein forms G19E.
Identifiers: ClinVar variation 3025005 (VCV003025005.22), dbSNP rs550430452, ClinGen allele CA6291028.
Genomic context (GRCh38, chr11:117,098,360, plus strand): 5'-GCGGGGGCGGCTGGGGACCCCGGCGCGGGCGGAGGCAGCAGGCGGCCCGCGGGCCCGGCT[C>T]CCCCAGTCCCGGCCCCGGCAGCCCCGCCAGCTCCGCTCGCCGCCGCCGCCGCCATCTTGT-3'
Protein context (NP_001353615.1, residues 9-29): AGGAAGAGTG[Gly19Glu]AGPAGRLLPP